The following is an entry in ClinVar:

ClinVar aggregate classification (germline): Uncertain significance (1 of 4 stars; one submission).

Conditions:
Combined immunodeficiency due to ZAP70 deficiency (IMD48). Also called: Immunodeficiency 48; ZAP70 Deficiency. Identifiers: Orphanet 911, MedGen C2931299, MONDO:0010023, OMIM 269840.

Allele frequency attached by ClinVar (database versions not stated): TOPMed below 0.00001; ExAC 0.00003; gnomAD exomes 0.00001 and 0.00003; 1000 Genomes Project 0.00020; gnomAD 0.00001; ESP Exome Variant Server 0.00008; 1000 Genomes Project 30x 0.00016.
gnomAD v4.1: 8 of 1,604,288 alleles (0.0005%); highest among the groups gnomAD compares: Admixed American, 0.01%; no homozygotes.

Submission:

Labcorp Genetics (formerly Invitae), Labcorp
Classification: Uncertain significance for Combined immunodeficiency due to ZAP70 deficiency. Last evaluated: 2023-12-06. Review status: criteria provided, single submitter. Criteria: Invitae Variant Classification Sherloc (09022015). Collection method: clinical testing. Allele origin: germline.
Comment: This sequence change replaces threonine with serine at codon 68 of the ZAP70 protein (p.Thr68Ser). The threonine residue is moderately conserved and there is a small physicochemical difference between threonine and serine. This variant is present in population databases (rs138628302, gnomAD 0.01%). This variant has not been reported in the literature in individuals affected with ZAP70-related conditions. ClinVar contains an entry for this variant (Variation ID: 1416285). An algorithm developed to predict the effect of missense changes on protein structure and function (PolyPhen-2) suggests that this variant is likely to be disruptive. In summary, the available evidence is currently insufficient to determine the role of this variant in disease. Therefore, it has been classified as a Variant of Uncertain Significance.

NM_001079.4(ZAP70):c.202A>T (p.Thr68Ser)

Gene: ZAP70 (zeta chain of T cell receptor associated protein kinase 70; plus strand). Cytogenetic location: 2q11.2.
Variant type: single nucleotide variant.
Coding change: c.202A>T on transcript NM_001079.4 (MANE Select); coding-DNA position 202, A replaced by T.
Protein change: p.Thr68Ser; replaces threonine 68 with serine.
Molecular consequence: missense variant.
Genome position (GRCh38, 1-based): chr2:97,724,238, A>T. VCF-style: chr2-97724238-A-T. GRCh37 (hg19) VCF-style: chr2-98340701-A-T.
Other names: c.202A>T, p.Thr68Ser (NM_001378594.1); short protein forms T68S.
Identifiers: ClinVar variation 1416285 (VCV001416285.6), dbSNP rs138628302, ClinGen allele CA1790035.